The following is an entry in ClinVar:

NM_178822.5(IGSF10):c.3733_3734del (p.Asp1245fs)

Gene: IGSF10 (immunoglobulin superfamily member 10; minus strand). Cytogenetic location: 3q25.1.
Variant type: Microsatellite.
Coding change: c.3733_3734del on transcript NM_178822.5 (MANE Select); coding-DNA positions 3733 to 3734, 2 bases deleted (GA; older notation c.3733_3734delGA).
Protein change: p.Asp1245fs; shifts the reading frame from aspartic acid 1245.
Molecular consequence: frameshift variant.
Genome position (GRCh38, 1-based): chr3:151,446,247-151,446,248, TC deleted on the plus strand (GA on the coding strand, the reverse complement: IGSF10 is on the minus strand); deleting any 2 consecutive bases within chr3:151,446,247-151,446,251 gives the same sequence; the c. name uses the placement nearest the transcript's 3' end. VCF-style (leftmost placement, unchanged base first): chr3-151446246-GTC-G. GRCh37 (hg19) VCF-style: chr3-151164034-GTC-G.
Other names: c.3733_3734del, p.Asp1245fs (NM_001385060.1, NM_001385061.1, NM_001385062.1 and 1 more transcripts); short protein forms D1245fs.
Identifiers: ClinVar variation 1958853 (VCV001958853.5), dbSNP rs765103591, ClinGen allele CA2670113.

ClinVar aggregate classification (germline): Uncertain significance (1 of 4 stars; one submission).

Submission:

Labcorp Genetics (formerly Invitae), Labcorp
Classification: Uncertain significance. Last evaluated: 2022-02-20. Review status: criteria provided, single submitter. Criteria: Invitae Variant Classification Sherloc (09022015). Collection method: clinical testing. Allele origin: germline.
Comment: This sequence change creates a premature translational stop signal (p.Asp1245Glnfs*20) in the IGSF10 gene. It is expected to result in an absent or disrupted protein product. However, the current clinical and genetic evidence is not sufficient to establish whether loss-of-function variants in IGSF10 cause disease. In summary, the available evidence is currently insufficient to determine the role of this variant in disease. Therefore, it has been classified as a Variant of Uncertain Significance. This variant has not been reported in the literature in individuals affected with IGSF10-related conditions. This variant is present in population databases (rs765103591, gnomAD 0.01%).